The following is an entry in ClinVar:

ClinVar aggregate classification (germline): Uncertain significance (1 of 4 stars; one submission).

Conditions:
Hereditary cancer-predisposing syndrome. Also called: Neoplastic Syndromes, Hereditary; Tumor predisposition; Hereditary neoplastic syndrome; Hereditary Cancer Syndrome. Identifiers: Orphanet 140162, MedGen C0027672, MeSH D009386, MONDO:0015356.

Submission:

Ambry Genetics
Classification: Uncertain significance for Hereditary cancer-predisposing syndrome. Last evaluated: 2026-06-18. Review status: criteria provided, single submitter. Criteria: Ambry Variant Classification Scheme 2023. Collection method: clinical testing. Allele origin: germline.
Comment: The p.L48V variant (also known as c.142C>G), located in coding exon 1 of the MEN1 gene, results from a C to G substitution at nucleotide position 142. The leucine at codon 48 is replaced by valine, an amino acid with highly similar properties. This amino acid position is highly conserved in available vertebrate species. In addition, this alteration is predicted to be deleterious by in silico analysis. Based on the available evidence, the clinical significance of this variant remains unclear.

NM_001370259.2(MEN1):c.142C>G (p.Leu48Val)

Gene: MEN1 (menin 1; minus strand). Cytogenetic location: 11q13.1.
Variant type: single nucleotide variant.
Coding change: c.142C>G on transcript NM_001370259.2 (MANE Select); coding-DNA position 142, C replaced by G.
Protein change: p.Leu48Val; replaces leucine 48 with valine.
Molecular consequence: missense variant. On other transcripts: non-coding transcript variant (4).
Genome position (GRCh38, 1-based): chr11:64,809,968, G>C on the plus strand (C>G on the coding strand, the complement: MEN1 is on the minus strand). VCF-style: chr11-64809968-G-C. GRCh37 (hg19) VCF-style: chr11-64577440-G-C.
Other names: c.142C>G, p.Leu48Val (NM_000244.4, NM_001370251.2, NM_001370260.2 and 20 more transcripts); short protein forms L48V.
Identifiers: ClinVar variation 5024270 (VCV005024270.1).